The following is an entry in ClinVar:

ClinVar aggregate classification (germline): Uncertain significance (1 of 4 stars; one submission).

Submission:

Labcorp Genetics (formerly Invitae), Labcorp
Classification: Uncertain significance. Last evaluated: 2022-05-03. Review status: criteria provided, single submitter. Criteria: Invitae Variant Classification Sherloc (09022015). Collection method: clinical testing. Allele origin: germline.
Comment: Experimental studies and prediction algorithms are not available or were not evaluated, and the functional significance of this variant is currently unknown. This variant has not been reported in the literature in individuals affected with KIZ-related conditions. This variant is not present in population databases (gnomAD no frequency). This sequence change replaces glutamine, which is neutral and polar, with proline, which is neutral and non-polar, at codon 78 of the KIZ protein (p.Gln78Pro). In summary, the available evidence is currently insufficient to determine the role of this variant in disease. Therefore, it has been classified as a Variant of Uncertain Significance.

NM_018474.6(KIZ):c.233A>C (p.Gln78Pro)

Genes: KIZ (kizuna centrosomal protein; plus strand), LOC130065509 (ATAC-STARR-seq lymphoblastoid active region 17619; plus strand). Cytogenetic location: 20p11.23.
Variant type: single nucleotide variant.
Coding change: c.233A>C on transcript NM_018474.6 (MANE Select); coding-DNA position 233, A replaced by C.
Protein change: p.Gln78Pro; replaces glutamine 78 with proline.
Molecular consequence: missense variant. On other transcripts: 5 prime UTR variant (1), intron variant (4).
Genome position (GRCh38, 1-based): chr20:21,136,470, A>C. VCF-style: chr20-21136470-A-C. GRCh37 (hg19) VCF-style: chr20-21117111-A-C.
Other names: c.233A>C, p.Gln78Pro (NM_001352434.2); c.-154A>C (NM_001352436.2); c.169-9095A>C (NM_001276389.2); c.6+4311A>C (NM_001163022.3, NM_001352435.2, NM_001163023.3); short protein forms Q78P.
Identifiers: ClinVar variation 2131445 (VCV002131445.4), dbSNP rs2519624651, ClinGen allele CA408488500.